The following is an entry in ClinVar:

ClinVar aggregate classification (germline): Likely pathogenic (1 of 4 stars; one submission).

Allele frequency attached by ClinVar (database versions not stated): TOPMed below 0.00001; gnomAD 0.00001; gnomAD exomes 0.00002.
gnomAD v4.1: 22 of 1,366,312 alleles (0.0016%); highest among the groups gnomAD compares: Admixed American, 0.0039%; no homozygotes.

Submission:

Labcorp Genetics (formerly Invitae), Labcorp
Classification: Likely pathogenic. Last evaluated: 2023-05-08. Review status: criteria provided, single submitter. Criteria: Invitae Variant Classification Sherloc (09022015). Collection method: clinical testing. Allele origin: germline.
Comment: In summary, the currently available evidence indicates that the variant is pathogenic, but additional data are needed to prove that conclusively. Therefore, this variant has been classified as Likely Pathogenic. Algorithms developed to predict the effect of sequence changes on RNA splicing suggest that this variant may disrupt the consensus splice site. ClinVar contains an entry for this variant (Variation ID: 1943272). This variant has not been reported in the literature in individuals affected with NKX6-2-related conditions. This variant is not present in population databases (gnomAD no frequency). This sequence change affects a donor splice site in intron 1 of the NKX6-2 gene. It is expected to disrupt RNA splicing. Variants that disrupt the donor or acceptor splice site typically lead to a loss of protein function (PMID: 16199547), and loss-of-function variants in NKX6-2 are known to be pathogenic (PMID: 15601927, 28575651).

Literature cited by the submitters: PubMed 16199547; PubMed 15601927; PubMed 28575651.

NM_177400.3(NKX6-2):c.406+1G>T

Gene: NKX6-2 (NK6 homeobox 2; minus strand). Cytogenetic location: 10q26.3.
Variant type: single nucleotide variant.
Coding change: c.406+1G>T on transcript NM_177400.3 (MANE Select); the canonical splice donor site of the intron after coding-DNA position 406, G replaced by T.
Molecular consequence: splice donor variant.
Genome position (GRCh38, 1-based): chr10:132,785,542, C>A on the plus strand (G>T on the coding strand, the complement: NKX6-2 is on the minus strand). VCF-style: chr10-132785542-C-A. GRCh37 (hg19) VCF-style: chr10-134599046-C-A.
Identifiers: ClinVar variation 1943272 (VCV001943272.5), dbSNP rs1356797524, ClinGen allele CA378770550.